The following is an entry in ClinVar:

ClinVar aggregate classification (germline): Conflicting classifications of pathogenicity. Review status: criteria provided, conflicting classifications (1 of 4 stars). 5 submissions from 5 submitters: Uncertain significance (4); Likely benign (1). Last evaluated 2025-10-26.

Conditions:
Hereditary nonpolyposis colorectal neoplasms. Identifiers: MedGen C0009405, MeSH D003123.
Hereditary cancer-predisposing syndrome. Also called: Neoplastic Syndromes, Hereditary; Hereditary Cancer Syndrome; Tumor predisposition; Hereditary neoplastic syndrome. Identifiers: Orphanet 140162, MedGen C0027672, MeSH D009386, MONDO:0015356.
Lynch syndrome. Identifiers: Orphanet 144, MedGen C4552100, MONDO:0005835. Disease mechanism: loss of function.
Lynch syndrome 4 (LYNCH4). Also called: Hereditary non-polyposis colorectal cancer, type 4; Colorectal cancer, hereditary nonpolyposis, type 4. Identifiers: Orphanet 144, MedGen C1838333, MONDO:0013699, OMIM 614337. Disease mechanism: loss of function.

gnomAD v4.1: 24 of 1,612,628 alleles (0.0015%); highest among the groups gnomAD compares: South Asian, 0.024%; no homozygotes.

Submissions (5):

Labcorp Genetics (formerly Invitae), Labcorp
Classification: Uncertain significance for Hereditary nonpolyposis colorectal neoplasms. Last evaluated: 2025-10-26. Review status: criteria provided, single submitter. Criteria: Invitae Variant Classification Sherloc (09022015). Collection method: clinical testing. Allele origin: germline.
Comment: This sequence change replaces arginine, which is basic and polar, with leucine, which is neutral and non-polar, at codon 3 of the PMS2 protein (p.Arg3Leu). This variant is present in population databases (rs375507981, gnomAD 0.03%). This missense change has been observed in individual(s) with pancreatic cancer (PMID: 34326862). ClinVar contains an entry for this variant (Variation ID: 574206). Invitae Evidence Modeling incorporating data from in vitro experimental studies (internal data) indicates that this missense variant is not expected to disrupt PMS2 function with a negative predictive value of 95%. In summary, the available evidence is currently insufficient to determine the role of this variant in disease. Therefore, it has been classified as a Variant of Uncertain Significance.

Baylor Genetics
Classification: Uncertain significance for Lynch syndrome 4. Last evaluated: 2024-03-08. Review status: criteria provided, single submitter. Criteria: ACMG Guidelines, 2015. Collection method: clinical testing. Allele origin: unknown.

Color Diagnostics, LLC DBA Color Health
Classification: Uncertain significance for Hereditary cancer-predisposing syndrome. Last evaluated: 2024-03-06. Review status: criteria provided, single submitter. Criteria: ACMG Guidelines, 2015. Collection method: clinical testing. Allele origin: germline.
Comment: This missense variant replaces arginine with leucine at codon 3 in the PMS2 protein. Computational prediction suggests that this variant may not impact protein structure and function (internally defined REVEL score threshold <= 0.5, PMID: 27666373). To our knowledge, functional studies have not been reported for this variant. This variant has not been reported in individuals affected with PMS2-related disorders in the literature. This variant has been identified in 10/250274 chromosomes in the general population by the Genome Aggregation Database (gnomAD). The available evidence is insufficient to determine the role of this variant in disease conclusively. Therefore, this variant is classified as a Variant of Uncertain Significance.

All of Us Research Program, National Institutes of Health
Classification: Uncertain significance for Lynch syndrome. Last evaluated: 2023-10-02. Review status: criteria provided, single submitter. Criteria: ACMG Guidelines, 2015. Collection method: clinical testing. Allele origin: germline. Inheritance: Autosomal dominant inheritance. Observed: 2 variant alleles, 2 heterozygotes.
Comment: This missense variant replaces arginine with leucine at codon 3 in the PMS2 protein. Computational prediction suggests that this variant may not impact protein structure and function (internally defined REVEL score threshold <= 0.5, PMID: 27666373). To our knowledge, functional studies have not been reported for this variant. This variant has not been reported in individuals affected with PMS2-related disorders in the literature. This variant has been identified in 10/250274 chromosomes in the general population by the Genome Aggregation Database (gnomAD). The available evidence is insufficient to determine the role of this variant in disease conclusively. Therefore, this variant is classified as a Variant of Uncertain Significance.

This study involves interpretation of variants in research participants for the purpose of population health screening. Participant phenotype was not available at the time of variant classification. Additional details can be found in publication PMID: 35346344, PMCID: PMC8962531

Ambry Genetics
Classification: Likely benign for Hereditary cancer-predisposing syndrome. Last evaluated: 2021-07-19. Review status: criteria provided, single submitter. Criteria: Ambry Variant Classification Scheme 2023. Collection method: clinical testing. Allele origin: germline.

Literature cited by the submitters: PubMed 34326862 (cited by Labcorp Genetics (formerly Invitae), Labcorp).

NM_000535.7(PMS2):c.8G>T (p.Arg3Leu)

Gene: PMS2 (PMS1 homolog 2, mismatch repair system component; minus strand). Cytogenetic location: 7p22.1.
Variant type: single nucleotide variant.
Coding change: c.8G>T on transcript NM_000535.7 (MANE Select); coding-DNA position 8, G replaced by T.
Protein change: p.Arg3Leu; replaces arginine 3 with leucine.
Molecular consequence: missense variant. On other transcripts: 5 prime UTR variant (11), non-coding transcript variant (1).
Genome position (GRCh38, 1-based): chr7:6,009,012, C>A on the plus strand (G>T on the coding strand, the complement: PMS2 is on the minus strand). VCF-style: chr7-6009012-C-A. GRCh37 (hg19) VCF-style: chr7-6048643-C-A.
Other names: c.-393G>T (NM_001322003.2, NM_001322013.2); c.-258G>T (NM_001322004.2, NM_001322010.2); c.-588G>T (NM_001322005.2); c.8G>T, p.Arg3Leu (NM_001322006.2, NM_001322014.2); c.-208G>T (NM_001322007.2); c.-68G>T (NM_001322008.2); c.-583G>T (NM_001322009.2); c.-877G>T (NM_001322011.2); and 2 more; short protein forms R3L.
Identifiers: ClinVar variation 574206 (VCV000574206.16), dbSNP rs375507981, ClinGen allele CA052196.